The following is an entry in ClinVar:

ClinVar aggregate classification (germline): Likely benign. Review status: criteria provided, multiple submitters, no conflicts (2 of 4 stars). 3 submissions from 3 submitters: Likely benign (3). Last evaluated 2024-12-15.

Conditions:
Birt-Hogg-Dube syndrome 1 (BHD1). Also called: FIBROFOLLICULOMAS WITH TRICHODISCOMAS AND ACROCHORDONS. Identifiers: Orphanet 122, MedGen CN375946, MONDO:0800445, OMIM 135150.
Hereditary cancer-predisposing syndrome. Also called: Hereditary neoplastic syndrome; Neoplastic Syndromes, Hereditary; Tumor predisposition; Hereditary Cancer Syndrome. Identifiers: Orphanet 140162, MedGen C0027672, MeSH D009386, MONDO:0015356.
Birt-Hogg-Dube syndrome. Also called: Birt Hogg Dubé syndrome. Identifiers: Orphanet 122, MedGen C0346010, MONDO:0800444.

Allele frequency attached by ClinVar (database versions not stated): ExAC 0.00001; gnomAD exomes 0.00001 and 0.00002; TOPMed 0.00001.
gnomAD v4.1: 24 of 1,613,714 alleles (0.0015%); highest among the groups gnomAD compares: Non-Finnish European, 0.002%; no homozygotes.

Submissions (3):

Labcorp Genetics (formerly Invitae), Labcorp
Classification: Likely benign for Birt-Hogg-Dube syndrome. Last evaluated: 2024-12-15. Review status: criteria provided, single submitter. Criteria: Invitae Variant Classification Sherloc (09022015). Collection method: clinical testing. Allele origin: germline.

Myriad Genetics, Inc.
Classification: Likely benign for Birt-Hogg-Dube syndrome 1. Last evaluated: 2024-10-23. Review status: criteria provided, single submitter. Criteria: Myriad Autosomal Dominant, Autosomal Recessive and X-Linked Classification Criteria (2023). Collection method: clinical testing. Allele origin: unknown.
Comment: This variant is considered likely benign. This variant is intronic and is not expected to impact mRNA splicing.

Ambry Genetics
Classification: Likely benign for Hereditary cancer-predisposing syndrome. Last evaluated: 2019-10-16. Review status: criteria provided, single submitter. Criteria: Ambry Variant Classification Scheme 2023. Collection method: clinical testing. Allele origin: germline.

NM_144997.7(FLCN):c.872-4G>A

Gene: FLCN (folliculin; minus strand). Cytogenetic location: 17p11.2.
Variant type: single nucleotide variant.
Coding change: c.872-4G>A on transcript NM_144997.7 (MANE Select); 4 bases into the intron before coding-DNA position 872, G replaced by A.
Molecular consequence: intron variant.
Genome position (GRCh38, 1-based): chr17:17,219,213, C>T on the plus strand (G>A on the coding strand, the complement: FLCN is on the minus strand). VCF-style: chr17-17219213-C-T. GRCh37 (hg19) VCF-style: chr17-17122527-C-T.
Other names: c.872-4G>A (LRG_325t1, NM_001353231.2, NM_001353230.2); c.926-4G>A (NM_001353229.2).
Identifiers: ClinVar variation 460639 (VCV000460639.16), dbSNP rs752727873, ClinGen allele CA8416203.